The following is an entry in ClinVar:

ClinVar aggregate classification (germline): Uncertain significance (1 of 4 stars; one submission).

Conditions:
Hereditary cancer-predisposing syndrome. Also called: Neoplastic Syndromes, Hereditary; Tumor predisposition; Hereditary Cancer Syndrome; Hereditary neoplastic syndrome. Identifiers: Orphanet 140162, MedGen C0027672, MeSH D009386, MONDO:0015356.

Submission:

Ambry Genetics
Classification: Uncertain significance for Hereditary cancer-predisposing syndrome. Last evaluated: 2026-03-15. Review status: criteria provided, single submitter. Criteria: Ambry Variant Classification Scheme 2023. Collection method: clinical testing. Allele origin: germline.
Comment: The p.I288V variant (also known as c.862A>G), located in coding exon 8 of the EPCAM gene, results from an A to G substitution at nucleotide position 862. The isoleucine at codon 288 is replaced by valine, an amino acid with highly similar properties. This amino acid position is conserved. In addition, this alteration is predicted to be tolerated by in silico analysis. Based on the available evidence, the clinical significance of this variant remains unclear.

NM_002354.3(EPCAM):c.862A>G (p.Ile288Val)

Gene: EPCAM (epithelial cell adhesion molecule; plus strand). Cytogenetic location: 2p21.
Variant type: single nucleotide variant.
Coding change: c.862A>G on transcript NM_002354.3 (MANE Select); coding-DNA position 862, A replaced by G.
Protein change: p.Ile288Val; replaces isoleucine 288 with valine.
Molecular consequence: missense variant.
Genome position (GRCh38, 1-based): chr2:47,385,169, A>G. VCF-style: chr2-47385169-A-G. GRCh37 (hg19) VCF-style: chr2-47612308-A-G.
Other names: short protein forms I288V.
Identifiers: ClinVar variation 4870514 (VCV004870514.1).